The following is an entry in ClinVar:

ClinVar aggregate classification (germline): Uncertain significance. Review status: criteria provided, multiple submitters, no conflicts (2 of 4 stars). 2 submissions from 2 submitters: Uncertain significance (2). Last evaluated 2024-07-25.

Conditions:
Charcot-Marie-Tooth disease dominant intermediate B (CMTDIB). Also called: CHARCOT-MARIE-TOOTH NEUROPATHY, DOMINANT INTERMEDIATE B; Charcot-Marie-Tooth disease dominant intermediate 1; CMT DI1; Charcot-Marie-Tooth disease dominant intermediate I. Identifiers: Orphanet 100044, Orphanet 228179, MedGen C1847902, MONDO:0011674, OMIM 606482.

Submissions (2):

Labcorp Genetics (formerly Invitae), Labcorp
Classification: Uncertain significance for Charcot-Marie-Tooth disease dominant intermediate B. Last evaluated: 2024-07-25. Review status: criteria provided, single submitter. Criteria: Invitae Variant Classification Sherloc (09022015). Collection method: clinical testing. Allele origin: germline.
Comment: This sequence change replaces phenylalanine, which is neutral and non-polar, with leucine, which is neutral and non-polar, at codon 372 of the DNM2 protein (p.Phe372Leu). This variant is not present in population databases (gnomAD no frequency). This variant has not been reported in the literature in individuals affected with DNM2-related conditions. ClinVar contains an entry for this variant (Variation ID: 2440958). Advanced modeling of protein sequence and biophysical properties (such as structural, functional, and spatial information, amino acid conservation, physicochemical variation, residue mobility, and thermodynamic stability) has been performed at Invitae for this missense variant, however the output from this modeling did not meet the statistical confidence thresholds required to predict the impact of this variant on DNM2 protein function. This variant disrupts the p.Phe372 amino acid residue in DNM2. Other variant(s) that disrupt this residue have been determined to be pathogenic (PMID: 26275793). This suggests that this residue is clinically significant, and that variants that disrupt this residue are likely to be disease-causing. In summary, the available evidence is currently insufficient to determine the role of this variant in disease. Therefore, it has been classified as a Variant of Uncertain Significance.

Revvity Omics, Revvity
Classification: Uncertain significance. Last evaluated: 2019-07-29. Review status: criteria provided, single submitter. Criteria: ACMG Guidelines, 2015. Collection method: clinical testing. Allele origin: germline.

Literature cited by the submitters: PubMed 26275793 (cited by Labcorp Genetics (formerly Invitae), Labcorp).

NM_001005361.3(DNM2):c.1116T>A (p.Phe372Leu)

Gene: DNM2 (dynamin 2; plus strand). Cytogenetic location: 19p13.2.
Variant type: single nucleotide variant.
Coding change: c.1116T>A on transcript NM_001005361.3 (MANE Select); coding-DNA position 1116, T replaced by A.
Protein change: p.Phe372Leu; replaces phenylalanine 372 with leucine.
Molecular consequence: missense variant.
Genome position (GRCh38, 1-based): chr19:10,793,843, T>A. VCF-style: chr19-10793843-T-A. GRCh37 (hg19) VCF-style: chr19-10904519-T-A.
Other names: c.1116T>A, p.Phe372Leu (NM_001005360.3, NM_001005362.3, NM_001190716.2 and 1 more transcripts); short protein forms F372L.
Identifiers: ClinVar variation 2440958 (VCV002440958.5), dbSNP rs2513224522, ClinGen allele CA404048071.